The following is an entry in ClinVar:

NM_001267550.2(TTN):c.4322G>A (p.Arg1441His)

Genes: TTN (titin; minus strand), LOC101927055 (uncharacterized LOC101927055; plus strand). Cytogenetic location: 2q31.2.
Variant type: single nucleotide variant.
Coding change: c.4322G>A on transcript NM_001267550.2 (MANE Select); coding-DNA position 4322, G replaced by A.
Protein change: p.Arg1441His; replaces arginine 1441 with histidine.
Molecular consequence: missense variant. On other transcripts: non-coding transcript variant (1).
Genome position (GRCh38, 1-based): chr2:178,777,862, C>T on the plus strand (G>A on the coding strand, the complement: TTN is on the minus strand). VCF-style: chr2-178777862-C-T. GRCh37 (hg19) VCF-style: chr2-179642589-C-T.
Other names: c.4322G>A, p.Arg1441His (NM_001256850.1, NM_133379.5, NM_133378.4); c.4184G>A, p.Arg1395His (NM_003319.4, NM_133432.3, NM_133437.4); c.4322G>A (NM_001267550.1); short protein forms R1441H, R1395H.
Identifiers: ClinVar variation 332957 (VCV000332957.10), dbSNP rs72647876, ClinGen allele CA2005336.

ClinVar aggregate classification (germline): Conflicting classifications of pathogenicity. Review status: criteria provided, conflicting classifications (1 of 4 stars). 9 submissions from 5 submitters: Uncertain significance (7); Likely benign (2). Last evaluated 2025-04-21.

Conditions:
Early-onset myopathy with fatal cardiomyopathy (CMYO5). Also called: Salih Myopathy; CONGENITAL MYOPATHY 5 WITH CARDIOMYOPATHY. Identifiers: Orphanet 289377, MedGen C2673677, MONDO:0012714, OMIM 611705. Disease mechanism: loss of function.
Myopathy, myofibrillar, 9, with early respiratory failure (MFM9). Also called: MYOPATHY, PROXIMAL, WITH EARLY RESPIRATORY MUSCLE INVOLVEMENT; Hereditary myopathy with early respiratory failure; Myopathy, distal, with early respiratory failure, autosomal dominant; EDSTROM MYOPATHY. Identifiers: Orphanet 178464, Orphanet 34521, MedGen C1863599, MONDO:0011362, OMIM 603689.
Dilated cardiomyopathy 1G (CMD1G). Identifiers: Orphanet 154, MedGen C1858763, MONDO:0011400, OMIM 604145.
Autosomal recessive limb-girdle muscular dystrophy type 2J (LGMDR10). Also called: Limb-girdle muscular dystrophy, type 2J; MUSCULAR DYSTROPHY, LIMB-GIRDLE, AUTOSOMAL RECESSIVE 10. Identifiers: Orphanet 140922, MedGen C1837342, MONDO:0012127, OMIM 608807.
Tibial muscular dystrophy (TMD). Also called: UDD MYOPATHY; Tibial muscular dystrophy, tardive; Udd Distal Myopathy – Tibial Muscular Dystrophy. Identifiers: Orphanet 609, MedGen C1838244, MONDO:0010870, OMIM 600334.
TTN-related disorder. Also called: TTN-related disorders; TTN-related condition; TTN-related disease.

Allele frequency attached by ClinVar (database versions not stated): TOPMed 0.00001; 1000 Genomes Project 30x 0.00031; 1000 Genomes Project 0.00040.
gnomAD v4.1: 93 of 1,614,034 alleles (0.0058%); highest among the groups gnomAD compares: East Asian, 0.078%; no homozygotes.

Submissions (9):

PreventionGenetics, part of Exact Sciences
Classification: Uncertain significance for TTN-related condition. Last evaluated: 2025-04-21. Review status: criteria provided, single submitter. Criteria: ACMG Guidelines, 2015. Collection method: clinical testing. Allele origin: germline.
Comment: The TTN c.4322G>A variant is predicted to result in the amino acid substitution p.Arg1441His. This variant has been reported in an individual with dilated cardiomyopathy (Table S3, Mazzarotto et al. 2020. PubMed ID: 31983221). This variant is reported in 0.0080% of alleles in individuals of African descent in gnomAD. At this time, the clinical significance of this variant is uncertain due to the absence of conclusive functional and genetic evidence.

Athena Diagnostics
Classification: Uncertain significance. Last evaluated: 2023-12-29. Review status: criteria provided, single submitter. Criteria: Athena Diagnostics Criteria. Collection method: clinical testing. Allele origin: unknown.
Comment: Available data are insufficient to determine the clinical significance of the variant at this time. The frequency of this variant in the general population is uninformative in assessment of its pathogenicity. Computational tools disagree on the variant's effect on normal protein function.

Women's Health and Genetics/Laboratory Corporation of America, LabCorp
Classification: Uncertain significance. Last evaluated: 2022-02-14. Review status: criteria provided, single submitter. Criteria: LabCorp Variant Classification Summary - May 2015. Collection method: clinical testing. Allele origin: germline.
Comment: Variant summary: TTN c.4322G>A (p.Arg1441His) results in a non-conservative amino acid change located in the near Z-disk region of the encoded protein sequence. Four of five in-silico tools predict a damaging effect of the variant on protein function. The variant allele was found at a frequency of 4e-05 in 250888 control chromosomes. This frequency is not significantly higher than expected for a pathogenic variant in TTN causing Dilated Cardiomyopathy (4e-05 vs 0.00039), allowing no conclusion about variant significance. c.4322G>A has been reported in the literature among rare protein-altering variants in at-least one individual affected with Dilated Cardiomyopathy (example, Mazzarotto_2020). These report(s) do not provide unequivocal conclusions about association of the variant with Dilated Cardiomyopathy. To our knowledge, no experimental evidence demonstrating an impact on protein function has been reported. Three clinical diagnostic laboratories have submitted clinical-significance assessments for this variant to ClinVar after 2014 without evidence for independent evaluation. Based on the evidence outlined above, the variant was classified as uncertain significance.

Illumina Laboratory Services, Illumina
Classification: Likely benign for Tibial muscular dystrophy. Last evaluated: 2018-01-12. Review status: criteria provided, single submitter. Criteria: ICSL Variant Classification Criteria 13 December 2019. Collection method: clinical testing. Allele origin: germline.
Comment: This variant was observed in the ICSL laboratory as part of a predisposition screen in an ostensibly healthy population. It had not been previously curated by ICSL or reported in the Human Gene Mutation Database (HGMD: prior to June 1st, 2018), and was therefore a candidate for classification through an automated scoring system. Utilizing variant allele frequency, disease prevalence and penetrance estimates, and inheritance mode, an automated score was calculated to assess if this variant is too frequent to cause the disease. Based on the score and internal cut-off values, a variant classified as likely benign is not then subjected to further curation. The score for this variant resulted in a classification of likely benign for this disease.

Illumina Laboratory Services, Illumina
Classification: Uncertain significance for Autosomal recessive limb-girdle muscular dystrophy type 2J. Last evaluated: 2018-01-12. Review status: criteria provided, single submitter. Criteria: ICSL Variant Classification Criteria 13 December 2019. Collection method: clinical testing. Allele origin: germline.

Illumina Laboratory Services, Illumina
Classification: Uncertain significance for Early-onset myopathy with fatal cardiomyopathy. Last evaluated: 2018-01-12. Review status: criteria provided, single submitter. Criteria: ICSL Variant Classification Criteria 13 December 2019. Collection method: clinical testing. Allele origin: germline.

Illumina Laboratory Services, Illumina
Classification: Likely benign for Myopathy, myofibrillar, 9, with early respiratory failure. Last evaluated: 2018-01-12. Review status: criteria provided, single submitter. Criteria: ICSL Variant Classification Criteria 13 December 2019. Collection method: clinical testing. Allele origin: germline.
Comment: the same text as in the submission from Illumina Laboratory Services, Illumina above.

Illumina Laboratory Services, Illumina
Classification: Uncertain significance for Dilated cardiomyopathy 1G. Last evaluated: 2018-01-12. Review status: criteria provided, single submitter. Criteria: ICSL Variant Classification Criteria 13 December 2019. Collection method: clinical testing. Allele origin: germline.

Labcorp Genetics (formerly Invitae), Labcorp
Classification: Uncertain significance for Dilated cardiomyopathy 1G; Autosomal recessive limb-girdle muscular dystrophy type 2J. Last evaluated: 2017-12-28. Review status: criteria provided, single submitter. Criteria: Invitae Variant Classification Sherloc (09022015). Collection method: clinical testing. Allele origin: germline.

Literature cited by the submitters: PubMed 31983221 (cited by Athena Diagnostics and Women's Health and Genetics/Laboratory Corporation of America, LabCorp).